The following is an entry in ClinVar:

NM_002700.3(POU4F3):c.414_418del (p.Val139fs)

Genes: POU4F3 (POU class 4 homeobox 3; plus strand), RBM27-POU4F3 (RBM27-POU4F3 readthrough; plus strand). Cytogenetic location: 5q32.
Variant type: Deletion.
Coding change: c.414_418del on transcript NM_002700.3 (MANE Select); coding-DNA positions 414 to 418, 5 bases deleted (GGTGA; older notation c.414_418delGGTGA).
Protein change: p.Val139fs; shifts the reading frame from valine 139.
Molecular consequence: frameshift variant. On other transcripts: 3 prime UTR variant (1).
Genome position (GRCh38, 1-based): chr5:146,339,841-146,339,845, GGTGA deleted. VCF-style (leftmost placement, unchanged base first): chr5-146339840-CGGTGA-C. GRCh37 (hg19) VCF-style: chr5-145719403-CGGTGA-C.
Other names: c.*283_*287del (NM_001414499.1); short protein forms V139fs.
Identifiers: ClinVar variation 2869928 (VCV002869928.3), dbSNP rs2479692447, ClinGen allele CA2739275168.

ClinVar aggregate classification (germline): Pathogenic (1 of 4 stars; one submission).

Submission:

Labcorp Genetics (formerly Invitae), Labcorp
Classification: Pathogenic. Last evaluated: 2023-12-26. Review status: criteria provided, single submitter. Criteria: Invitae Variant Classification Sherloc (09022015). Collection method: clinical testing. Allele origin: germline.
Comment: This sequence change creates a premature translational stop signal (p.Val139Alafs*31) in the POU4F3 gene. While this is not anticipated to result in nonsense mediated decay, it is expected to disrupt the last 200 amino acid(s) of the POU4F3 protein. This variant is not present in population databases (gnomAD no frequency). This variant has not been reported in the literature in individuals affected with POU4F3-related conditions. This variant disrupts a region of the POU4F3 protein in which other variant(s) (p.Leu201Pro) have been determined to be pathogenic (PMID: 29850532, 34250087). This suggests that this is a clinically significant region of the protein, and that variants that disrupt it are likely to be disease-causing. For these reasons, this variant has been classified as Pathogenic.

Literature cited by the submitters: PubMed 29850532; PubMed 34250087.